The following is an entry in ClinVar:

ClinVar aggregate classification (germline): Uncertain significance (1 of 4 stars; one submission).

Conditions:
Epilepsy, familial adult myoclonic, 5 (EPEO5). Also called: CORTICAL MYOCLONIC TREMOR WITH EPILEPSY, FAMILIAL, 5. Identifiers: Orphanet 86814, MedGen C3809374, MONDO:0014167, OMIM 615400.

Allele frequency attached by ClinVar (database versions not stated): TOPMed below 0.00001.

Submission:

Labcorp Genetics (formerly Invitae), Labcorp
Classification: Uncertain significance for Epilepsy, familial adult myoclonic, 5. Last evaluated: 2022-02-08. Review status: criteria provided, single submitter. Criteria: Invitae Variant Classification Sherloc (09022015). Collection method: clinical testing. Allele origin: germline.
Comment: In summary, the available evidence is currently insufficient to determine the role of this variant in disease. Therefore, it has been classified as a Variant of Uncertain Significance. Algorithms developed to predict the effect of sequence changes on RNA splicing suggest that this variant may create or strengthen a splice site. Advanced modeling of protein sequence and biophysical properties (such as structural, functional, and spatial information, amino acid conservation, physicochemical variation, residue mobility, and thermodynamic stability) performed at Invitae indicates that this missense variant is not expected to disrupt CNTN2 protein function. This variant has not been reported in the literature in individuals affected with CNTN2-related conditions. This variant is not present in population databases (gnomAD no frequency). This sequence change replaces leucine, which is neutral and non-polar, with glutamine, which is neutral and polar, at codon 575 of the CNTN2 protein (p.Leu575Gln).

NM_005076.5(CNTN2):c.1724T>A (p.Leu575Gln)

Gene: CNTN2 (contactin 2; plus strand). Cytogenetic location: 1q32.1.
Variant type: single nucleotide variant.
Coding change: c.1724T>A on transcript NM_005076.5 (MANE Select); coding-DNA position 1724, T replaced by A.
Protein change: p.Leu575Gln; replaces leucine 575 with glutamine.
Molecular consequence: missense variant. On other transcripts: non-coding transcript variant (1).
Genome position (GRCh38, 1-based): chr1:205,065,817, T>A. VCF-style: chr1-205065817-T-A. GRCh37 (hg19) VCF-style: chr1-205034945-T-A.
Other names: c.1724T>A, p.Leu575Gln (NM_001346083.2); short protein forms L575Q.
Identifiers: ClinVar variation 2095293 (VCV002095293.4), dbSNP rs1654255934, ClinGen allele CA344375727.